The following is an entry in ClinVar:

ClinVar aggregate classification (germline): Uncertain significance (1 of 4 stars; one submission).

Submission:

Labcorp Genetics (formerly Invitae), Labcorp
Classification: Uncertain significance. Last evaluated: 2022-11-28. Review status: criteria provided, single submitter. Criteria: Invitae Variant Classification Sherloc (09022015). Collection method: clinical testing. Allele origin: germline.
Comment: This sequence change replaces glycine, which is neutral and non-polar, with valine, which is neutral and non-polar, at codon 35 of the CRLF1 protein (p.Gly35Val). The frequency data for this variant in the population databases is considered unreliable, as metrics indicate insufficient coverage at this position in the gnomAD database. This variant has not been reported in the literature in individuals affected with CRLF1-related conditions. Algorithms developed to predict the effect of missense changes on protein structure and function (SIFT, PolyPhen-2, Align-GVGD) all suggest that this variant is likely to be tolerated. In summary, the available evidence is currently insufficient to determine the role of this variant in disease. Therefore, it has been classified as a Variant of Uncertain Significance.

NM_004750.5(CRLF1):c.104G>T (p.Gly35Val)

Gene: CRLF1 (cytokine receptor like factor 1; minus strand). Cytogenetic location: 19p13.11.
Variant type: single nucleotide variant.
Coding change: c.104G>T on transcript NM_004750.5 (MANE Select); coding-DNA position 104, G replaced by T.
Protein change: p.Gly35Val; replaces glycine 35 with valine.
Molecular consequence: missense variant.
Genome position (GRCh38, 1-based): chr19:18,606,553, C>A on the plus strand (G>T on the coding strand, the complement: CRLF1 is on the minus strand). VCF-style: chr19-18606553-C-A. GRCh37 (hg19) VCF-style: chr19-18717363-C-A.
Other names: short protein forms G35V.
Identifiers: ClinVar variation 1999706 (VCV001999706.4), dbSNP rs1243891125, ClinGen allele CA404852388.